The following is an entry in ClinVar:

NM_001453.3(FOXC1):c.163C>T (p.Gln55Ter)

Gene: FOXC1 (forkhead box C1; plus strand). Cytogenetic location: 6p25.3.
Variant type: single nucleotide variant.
Coding change: c.163C>T on transcript NM_001453.3 (MANE Select); coding-DNA position 163, C replaced by T.
Protein change: p.Gln55Ter; replaces glutamine 55 with a stop codon.
Molecular consequence: nonsense.
Genome position (GRCh38, 1-based): chr6:1,610,608, C>T. VCF-style: chr6-1610608-C-T. GRCh37 (hg19) VCF-style: chr6-1610843-C-T.
Other names: short protein forms Q55*.
Identifiers: ClinVar variation 2061918 (VCV002061918.4), dbSNP rs2480501835, ClinGen allele CA362558214.

ClinVar aggregate classification (germline): Pathogenic (1 of 4 stars; one submission).

Conditions:
Axenfeld-Rieger syndrome type 3 (RIEG3). Also called: AXENFELD-RIEGER ANOMALY WITH CARDIAC DEFECTS AND/OR SENSORINEURAL HEARING LOSS. Identifiers: Orphanet 782, MedGen C2678503, MONDO:0011233, OMIM 602482.

Submission:

Labcorp Genetics (formerly Invitae), Labcorp
Classification: Pathogenic for Axenfeld-Rieger syndrome type 3. Last evaluated: 2022-06-24. Review status: criteria provided, single submitter. Criteria: Invitae Variant Classification Sherloc (09022015). Collection method: clinical testing. Allele origin: germline.
Comment: For these reasons, this variant has been classified as Pathogenic. This variant disrupts a region of the FOXC1 protein in which other variant(s) (p.Gln467*) have been determined to be pathogenic (PMID: 32499604; Invitae). This suggests that this is a clinically significant region of the protein, and that variants that disrupt it are likely to be disease-causing. This variant has not been reported in the literature in individuals affected with FOXC1-related conditions. This variant is not present in population databases (gnomAD no frequency). This sequence change creates a premature translational stop signal (p.Gln55*) in the FOXC1 gene. While this is not anticipated to result in nonsense mediated decay, it is expected to disrupt the last 499 amino acid(s) of the FOXC1 protein.

Literature cited by the submitters: PubMed 32499604.